The following is an entry in ClinVar:

ClinVar aggregate classification (germline): Pathogenic. Review status: criteria provided, multiple submitters, no conflicts (2 of 4 stars). 2 submissions from 2 submitters: Pathogenic (2). Last evaluated 2019-10-25.

Conditions:
Autosomal recessive limb-girdle muscular dystrophy type 2A (LGMDR1). Also called: LEYDEN-MOEBIUS MUSCULAR DYSTROPHY; MUSCULAR DYSTROPHY, PELVOFEMORAL; Limb-girdle muscular dystrophy, type 2A; Muscular dystrophy, limb-girdle, type 2A, Amish; Calpainopathy. Identifiers: Orphanet 267, MedGen C1869123, MONDO:0009675, OMIM 253600. Disease mechanism: loss of function.

Submissions (2):

Labcorp Genetics (formerly Invitae), Labcorp
Classification: Pathogenic for Autosomal recessive limb-girdle muscular dystrophy type 2A. Last evaluated: 2019-10-25. Review status: criteria provided, single submitter. Criteria: Invitae Variant Classification Sherloc (09022015). Collection method: clinical testing. Allele origin: germline.
Comment: For these reasons, this variant has been classified as Pathogenic. Loss-of-function variants in CAPN3 are known to be pathogenic (PMID: 10330340, 15689361). This variant has not been reported in the literature in individuals with CAPN3-related conditions. ClinVar contains an entry for this variant (Variation ID: 446980). This variant is not present in population databases (ExAC no frequency). This sequence change creates a premature translational stop signal (p.Ile112Lysfs*7) in the CAPN3 gene. It is expected to result in an absent or disrupted protein product.

Athena Diagnostics
Classification: Pathogenic. Last evaluated: 2017-03-15. Review status: criteria provided, single submitter. Criteria: Athena Diagnostics Criteria. Collection method: clinical testing. Allele origin: germline.

Literature cited by the submitters: PubMed 10330340 (cited by Labcorp Genetics (formerly Invitae), Labcorp); PubMed 15689361 (cited by Labcorp Genetics (formerly Invitae), Labcorp).

NM_000070.3(CAPN3):c.322_334dup (p.Ile112fs)

Gene: CAPN3 (calpain 3; plus strand). Cytogenetic location: 15q15.1.
Variant type: Duplication.
Coding change: c.322_334dup on transcript NM_000070.3 (MANE Select); coding-DNA positions 322 to 334, 13 bases duplicated (AATCCCCGATTTA).
Protein change: p.Ile112fs; shifts the reading frame from isoleucine 112.
Molecular consequence: frameshift variant.
Genome position (GRCh38, 1-based): chr15:42,384,495-42,384,507, AATCCCCGATTTA duplicated. VCF-style (leftmost placement, unchanged base first): chr15-42384494-G-GAATCCCCGATTTA. GRCh37 (hg19) VCF-style: chr15-42676692-G-GAATCCCCGATTTA.
Other names: c.322_334dup, p.Ile112fs (NM_024344.2, NM_173087.2); short protein forms I112fs.
Identifiers: ClinVar variation 446980 (VCV000446980.9), dbSNP rs1555420075, ClinGen allele CA658658284.